The following is an entry in ClinVar:

ClinVar aggregate classification (germline): Pathogenic (1 of 4 stars; one submission).

Conditions:
Fanconi anemia (FA). Also called: Fanconi's anemia. Identifiers: Orphanet 84, MedGen C0015625, MeSH D005199, MONDO:0019391.

Allele frequency attached by ClinVar (database versions not stated): gnomAD exomes below 0.00001; TOPMed below 0.00001; gnomAD 0.00001.

Submission:

Labcorp Genetics (formerly Invitae), Labcorp
Classification: Pathogenic for Fanconi anemia. Last evaluated: 2021-04-09. Review status: criteria provided, single submitter. Criteria: Invitae Variant Classification Sherloc (09022015). Collection method: clinical testing. Allele origin: germline.
Comment: For these reasons, this variant has been classified as Pathogenic. This variant has not been reported in the literature in individuals with FANCM-related conditions. This variant is not present in population databases (ExAC no frequency). This sequence change creates a premature translational stop signal (p.Lys1335Argfs*9) in the FANCM gene. It is expected to result in an absent or disrupted protein product. Loss-of-function variants in FANCM are known to be pathogenic (PMID: 29895858, 30075111).

Literature cited by the submitters: PubMed 29895858; PubMed 30075111.

NM_020937.4(FANCM):c.4003_4004insG (p.Lys1335fs)

Gene: FANCM (FA complementation group M; plus strand). Cytogenetic location: 14q21.2.
Variant type: Insertion.
Coding change: c.4003_4004insG on transcript NM_020937.4 (MANE Select); coding-DNA positions 4003 to 4004, G inserted.
Protein change: p.Lys1335fs; shifts the reading frame from lysine 1335.
Molecular consequence: frameshift variant.
Genome position: GRCh38 VCF-style: chr14-45176757-A-AG. GRCh37 (hg19) VCF-style: chr14-45645960-A-AG.
Other names: c.3925_3926insG, p.Lys1309fs (NM_001308133.2); short protein forms K1335fs, K1309fs.
Identifiers: ClinVar variation 1454031 (VCV001454031.6), dbSNP rs1566766719, ClinGen allele CA913190874.